The following is an entry in ClinVar:

ClinVar aggregate classification (germline): Uncertain significance (1 of 4 stars; one submission).

gnomAD v4.1: 6 of 1,614,138 alleles (0.00037%); highest among the groups gnomAD compares: Non-Finnish European, 0.00051%; no homozygotes.

Submission:

GeneDx
Classification: Uncertain significance. Last evaluated: 2024-03-19. Review status: criteria provided, single submitter. Criteria: GeneDx Variant Classification Process June 2021. Collection method: clinical testing. Allele origin: germline. Affected: yes.
Comment: Not observed at significant frequency in large population cohorts (gnomAD); In silico analysis supports that this missense variant has a deleterious effect on protein structure/function; Has not been previously published as pathogenic or benign to our knowledge

NM_030773.4(TUBB1):c.113G>A (p.Gly38Glu)

Gene: TUBB1 (tubulin beta 1 class VI; plus strand). Cytogenetic location: 20q13.32.
Variant type: single nucleotide variant.
Coding change: c.113G>A on transcript NM_030773.4 (MANE Select); coding-DNA position 113, G replaced by A.
Protein change: p.Gly38Glu; replaces glycine 38 with glutamic acid.
Molecular consequence: missense variant.
Genome position (GRCh38, 1-based): chr20:59,022,900, G>A. VCF-style: chr20-59022900-G-A. GRCh37 (hg19) VCF-style: chr20-57597955-G-A.
Other names: short protein forms G38E.
Identifiers: ClinVar variation 3370917 (VCV003370917.1).